The following is an entry in ClinVar:

ClinVar aggregate classification (germline): Uncertain significance. Review status: criteria provided, multiple submitters, no conflicts (2 of 4 stars). 2 submissions from 2 submitters: Uncertain significance (2). Last evaluated 2025-08-20.

Conditions:
Inborn genetic diseases. Identifiers: MedGen C0950123, MeSH D030342.
Immunodeficiency-centromeric instability-facial anomalies syndrome 2 (ICF2). Identifiers: Orphanet 2268, MedGen C3279748, MONDO:0013553, OMIM 614069.

Allele frequency attached by ClinVar (database versions not stated): gnomAD exomes below 0.00001; gnomAD 0.00001; ExAC 0.00002; TOPMed 0.00002.
gnomAD v4.1: 9 of 1,614,070 alleles (0.00056%); highest among the groups gnomAD compares: Admixed American, 0.0017%; no homozygotes.

Submissions (2):

Ambry Genetics
Classification: Uncertain significance for Inborn genetic diseases. Last evaluated: 2025-08-20. Review status: criteria provided, single submitter. Criteria: Ambry Variant Classification Scheme 2023. Collection method: clinical testing. Allele origin: germline.

Labcorp Genetics (formerly Invitae), Labcorp
Classification: Uncertain significance for Immunodeficiency-centromeric instability-facial anomalies syndrome 2. Last evaluated: 2022-04-04. Review status: criteria provided, single submitter. Criteria: Invitae Variant Classification Sherloc (09022015). Collection method: clinical testing. Allele origin: germline.
Comment: This sequence change replaces cysteine, which is neutral and slightly polar, with tyrosine, which is neutral and polar, at codon 223 of the ZBTB24 protein (p.Cys223Tyr). This variant is present in population databases (rs747433550, gnomAD 0.003%). This variant has not been reported in the literature in individuals affected with ZBTB24-related conditions. Algorithms developed to predict the effect of missense changes on protein structure and function are either unavailable or do not agree on the potential impact of this missense change (SIFT: "Not Available"; PolyPhen-2: "Benign"; Align-GVGD: "Not Available"). In summary, the available evidence is currently insufficient to determine the role of this variant in disease. Therefore, it has been classified as a Variant of Uncertain Significance.

NM_014797.3(ZBTB24):c.668G>A (p.Cys223Tyr)

Gene: ZBTB24 (zinc finger and BTB domain containing 24; minus strand). Cytogenetic location: 6q21.
Variant type: single nucleotide variant.
Coding change: c.668G>A on transcript NM_014797.3 (MANE Select); coding-DNA position 668, G replaced by A.
Protein change: p.Cys223Tyr; replaces cysteine 223 with tyrosine.
Molecular consequence: missense variant.
Genome position (GRCh38, 1-based): chr6:109,481,359, C>T on the plus strand (G>A on the coding strand, the complement: ZBTB24 is on the minus strand). VCF-style: chr6-109481359-C-T. GRCh37 (hg19) VCF-style: chr6-109802562-C-T.
Other names: c.668G>A, p.Cys223Tyr (NM_001164313.2); short protein forms C223Y.
Identifiers: ClinVar variation 1965145 (VCV001965145.5), dbSNP rs747433550, ClinGen allele CA3954309.